The following is an entry in ClinVar:

ClinVar aggregate classification (germline): Likely benign (1 of 4 stars; one submission).

Submission:

CeGaT Center for Human Genetics Tuebingen
Classification: Likely benign. Last evaluated: 2025-08-01. Review status: criteria provided, single submitter. Criteria: CeGaT Center For Human Genetics Tuebingen Variant Classification Criteria Version 2. Collection method: clinical testing. Allele origin: germline. Affected: yes. Observed: 1 variant allele.
Comment: KIAA0319L: PM2, BP4, BS2

NM_024874.5(KIAA0319L):c.2884C>G (p.Pro962Ala)

Gene: KIAA0319L (KIAA0319 like; minus strand). Cytogenetic location: 1p34.3.
Variant type: single nucleotide variant.
Coding change: c.2884C>G on transcript NM_024874.5 (MANE Select); coding-DNA position 2884, C replaced by G.
Protein change: p.Pro962Ala; replaces proline 962 with alanine.
Molecular consequence: missense variant.
Genome position (GRCh38, 1-based): chr1:35,441,125, G>C on the plus strand (C>G on the coding strand, the complement: KIAA0319L is on the minus strand). VCF-style: chr1-35441125-G-C. GRCh37 (hg19) VCF-style: chr1-35906726-G-C.
Other names: short protein forms P962A.
Identifiers: ClinVar variation 4085614 (VCV004085614.8).